The following is an entry in ClinVar:

NM_001698.3(AUH):c.656G>C (p.Gly219Ala)

Gene: AUH (AU RNA binding methylglutaconyl-CoA hydratase; minus strand). Cytogenetic location: 9q22.31.
Variant type: single nucleotide variant.
Coding change: c.656G>C on transcript NM_001698.3 (MANE Select); coding-DNA position 656, G replaced by C.
Protein change: p.Gly219Ala; replaces glycine 219 with alanine.
Molecular consequence: missense variant.
Genome position (GRCh38, 1-based): chr9:91,220,992, C>G on the plus strand (G>C on the coding strand, the complement: AUH is on the minus strand). VCF-style: chr9-91220992-C-G. GRCh37 (hg19) VCF-style: chr9-93983274-C-G.
Other names: c.569G>C, p.Gly190Ala (NM_001306190.2); c.329G>C, p.Gly110Ala (NM_001351431.2, NM_001351432.2, NM_001351433.2); c.656G>C (NM_001698.2); short protein forms G110A, G190A, G219A.
Identifiers: ClinVar variation 1428376 (VCV001428376.11), dbSNP rs1827104191, ClinGen allele CA373835380.

ClinVar aggregate classification (germline): Uncertain significance. Review status: criteria provided, multiple submitters, no conflicts (2 of 4 stars). 2 submissions from 2 submitters: Uncertain significance (2). Last evaluated 2021-09-28.

Conditions:
3-methylglutaconic aciduria type 1 (MGCA1). Identifiers: Orphanet 67046, MedGen C0342727, MONDO:0009610, OMIM 250950.

gnomAD v4.1: 2 of 1,614,082 alleles (0.00012%); highest among the groups gnomAD compares: Non-Finnish European, 0.00017%; no homozygotes.

Submissions (2):

Revvity Omics, Revvity
Classification: Uncertain significance for 3-methylglutaconic aciduria type 1. Last evaluated: 2021-09-28. Review status: criteria provided, single submitter. Criteria: ACMG Guidelines, 2015. Collection method: clinical testing. Allele origin: germline.

Labcorp Genetics (formerly Invitae), Labcorp
Classification: Uncertain significance for 3-methylglutaconic aciduria type 1. Last evaluated: 2021-02-02. Review status: criteria provided, single submitter. Criteria: Invitae Variant Classification Sherloc (09022015). Collection method: clinical testing. Allele origin: germline.
Comment: In summary, the available evidence is currently insufficient to determine the role of this variant in disease. Therefore, it has been classified as a Variant of Uncertain Significance. Algorithms developed to predict the effect of missense changes on protein structure and function (SIFT, PolyPhen-2, Align-GVGD) all suggest that this variant is likely to be disruptive, but these predictions have not been confirmed by published functional studies and their clinical significance is uncertain. This variant has not been reported in the literature in individuals with AUH-related conditions. This variant is not present in population databases (ExAC no frequency). This sequence change replaces glycine with alanine at codon 219 of the AUH protein (p.Gly219Ala). The glycine residue is highly conserved and there is a small physicochemical difference between glycine and alanine.